The following is an entry in ClinVar:

NM_000383.4(AIRE):c.946_952del (p.Arg316fs)

Gene: AIRE (autoimmune regulator; plus strand). Cytogenetic location: 21q22.3.
Variant type: Deletion.
Coding change: c.946_952del on transcript NM_000383.4 (MANE Select); coding-DNA positions 946 to 952, 7 bases deleted (CGGGCCT; older notation c.946_952delCGGGCCT).
Protein change: p.Arg316fs; shifts the reading frame from arginine 316.
Molecular consequence: frameshift variant.
Genome position (GRCh38, 1-based): chr21:44,291,161-44,291,167, CGGGCCT deleted; deleting any 7 consecutive bases within chr21:44,291,158-44,291,167 gives the same sequence; the c. name uses the placement nearest the transcript's 3' end. VCF-style (leftmost placement, unchanged base first): chr21-44291157-CCCTCGGG-C. GRCh37 (hg19) VCF-style: chr21-45711040-CCCTCGGG-C.
Other names: short protein forms R316fs.
Identifiers: ClinVar variation 5013595 (VCV005013595.1).

ClinVar aggregate classification (germline): Pathogenic (1 of 4 stars; one submission).

Conditions:
Polyglandular autoimmune syndrome, type 1 (APS1). Also called: Whitaker syndrome; Autoimmune polyendocrinopathy syndrome, type I; AUTOIMMUNE POLYENDOCRINE SYNDROME, TYPE I, WITH OR WITHOUT REVERSIBLE METAPHYSEAL DYSPLASIA; APS I; HYPOADRENOCORTICISM WITH HYPOPARATHYROIDISM AND SUPERFICIAL MONILIASIS; PGA I. Identifiers: Orphanet 3453, MedGen C0085859, MONDO:0009411, OMIM 240300.

Submission:

Myriad Genetics, Inc.
Classification: Pathogenic for Polyglandular autoimmune syndrome, type 1. Last evaluated: 2024-09-30. Review status: criteria provided, single submitter. Criteria: Myriad Autosomal Dominant, Autosomal Recessive and X-Linked Classification Criteria (2023). Collection method: clinical testing. Allele origin: unknown.
Comment: NM_000383.3(AIRE):c.946_952del7(R316Sfs*60) is expected to be pathogenic in the context of autoimmune polyglandular syndrome type 1. This variant is predicted to lead to an abnormal or absent protein product due to the creation of a premature termination codon in AIRE, a gene where loss-of-function variants are known to be pathogenic. Please note: this variant was assessed in the context of healthy population screening.